The following is an entry in ClinVar:

ClinVar aggregate classification (germline): Uncertain significance (1 of 4 stars; one submission).

Submission:

Labcorp Genetics (formerly Invitae), Labcorp
Classification: Uncertain significance. Last evaluated: 2025-04-08. Review status: criteria provided, single submitter. Criteria: Invitae Variant Classification Sherloc (09022015). Collection method: clinical testing. Allele origin: germline.
Comment: This sequence change replaces aspartic acid, which is acidic and polar, with alanine, which is neutral and non-polar, at codon 1818 of the PIEZO1 protein (p.Asp1818Ala). This variant is not present in population databases (gnomAD no frequency). This variant has not been reported in the literature in individuals affected with PIEZO1-related conditions. Invitae Evidence Modeling of protein sequence and biophysical properties (such as structural, functional, and spatial information, amino acid conservation, physicochemical variation, residue mobility, and thermodynamic stability) indicates that this missense variant is not expected to disrupt PIEZO1 protein function with a negative predictive value of 80%. In summary, the available evidence is currently insufficient to determine the role of this variant in disease. Therefore, it has been classified as a Variant of Uncertain Significance.

NM_001142864.4(PIEZO1):c.5453A>C (p.Asp1818Ala)

Gene: PIEZO1 (piezo type mechanosensitive ion channel component 1 (Er blood group); minus strand). Cytogenetic location: 16q24.3.
Variant type: single nucleotide variant.
Coding change: c.5453A>C on transcript NM_001142864.4 (MANE Select); coding-DNA position 5453, A replaced by C.
Protein change: p.Asp1818Ala; replaces aspartic acid 1818 with alanine.
Molecular consequence: missense variant.
Genome position (GRCh38, 1-based): chr16:88,721,381, T>G on the plus strand (A>C on the coding strand, the complement: PIEZO1 is on the minus strand). VCF-style: chr16-88721381-T-G. GRCh37 (hg19) VCF-style: chr16-88787789-T-G.
Other names: short protein forms D1818A.
Identifiers: ClinVar variation 4745433 (VCV004745433.1).